The following is an entry in ClinVar:

ClinVar aggregate classification (germline): Uncertain significance (1 of 4 stars; one submission).

Conditions:
Spermatogenic failure 18. Identifiers: MedGen C4539783, MONDO:0054615, OMIM 617576.
Ciliary dyskinesia, primary, 37 (CILD37). Also called: CILIARY DYSKINESIA, PRIMARY, 37, WITH OR WITHOUT SITUS INVERSUS. Identifiers: MedGen C4539798, MONDO:0033204, OMIM 617577.

Submission:

Labcorp Genetics (formerly Invitae), Labcorp
Classification: Uncertain significance for Ciliary dyskinesia, primary, 37; Spermatogenic failure 18. Last evaluated: 2019-02-22. Review status: criteria provided, single submitter. Criteria: Invitae Variant Classification Sherloc (09022015). Collection method: clinical testing. Allele origin: germline.
Comment: Algorithms developed to predict the effect of missense changes on protein structure and function are either unavailable or do not agree on the potential impact of this missense change (SIFT: "Deleterious"; PolyPhen-2: "Possibly Damaging"; Align-GVGD: "Class C0"). In summary, the available evidence is currently insufficient to determine the role of this variant in disease. Therefore, it has been classified as a Variant of Uncertain Significance. This variant has not been reported in the literature in individuals with DNAH1-related conditions. This variant is not present in population databases (ExAC no frequency). This sequence change replaces methionine with isoleucine at codon 1207 of the DNAH1 protein (p.Met1207Ile). The methionine residue is highly conserved and there is a small physicochemical difference between methionine and isoleucine.

NM_015512.5(DNAH1):c.3621G>A (p.Met1207Ile)

Gene: DNAH1 (dynein axonemal heavy chain 1; plus strand). Cytogenetic location: 3p21.1.
Variant type: single nucleotide variant.
Coding change: c.3621G>A on transcript NM_015512.5 (MANE Select); coding-DNA position 3621, G replaced by A.
Protein change: p.Met1207Ile; replaces methionine 1207 with isoleucine.
Molecular consequence: missense variant.
Genome position (GRCh38, 1-based): chr3:52,354,983, G>A. VCF-style: chr3-52354983-G-A. GRCh37 (hg19) VCF-style: chr3-52388999-G-A.
Other names: short protein forms M1207I.
Identifiers: ClinVar variation 861984 (VCV000861984.7), dbSNP rs1212078010, ClinGen allele CA353117420.